The following is an entry in ClinVar:

NM_000169.3(GLA):c.1238T>C (p.Val413Ala)

Genes: GLA (galactosidase alpha; minus strand), RPL36A-HNRNPH2 (RPL36A-HNRNPH2 readthrough; plus strand). Cytogenetic location: Xq22.1.
Variant type: single nucleotide variant.
Coding change: c.1238T>C on transcript NM_000169.3 (MANE Select); coding-DNA position 1238, T replaced by C.
Protein change: p.Val413Ala; replaces valine 413 with alanine.
Molecular consequence: missense variant. On other transcripts: non-coding transcript variant (3), intron variant (2).
Genome position (GRCh38, 1-based): chrX:101,397,861, A>G on the plus strand (T>C on the coding strand, the complement: GLA is on the minus strand). VCF-style: chrX-101397861-A-G. GRCh37 (hg19) VCF-style: chrX-100652849-A-G.
Other names: c.1361T>C, p.Val454Ala (NM_001406747.1); c.300+2404A>G (NM_001199973.2); c.177+6039A>G (NM_001199974.2); short protein forms V413A, V454A.
Identifiers: ClinVar variation 1757464 (VCV001757464.5), dbSNP rs2520848483, ClinGen allele CA413919062.

ClinVar aggregate classification (germline): Uncertain significance. Review status: criteria provided, multiple submitters, no conflicts (2 of 4 stars). 3 submissions from 3 submitters: Uncertain significance (3). Last evaluated 2026-09-08.

Conditions:
Fabry disease. Also called: Angiokeratoma corporis diffusum; ALPHA-GALACTOSIDASE A DEFICIENCY; ANDERSON-FABRY DISEASE; CERAMIDE TRIHEXOSIDASE DEFICIENCY; GLA DEFICIENCY; HEREDITARY DYSTOPIC LIPIDOSIS. Identifiers: Orphanet 324, MedGen C0002986, MONDO:0010526, OMIM 301500, HP:0001071. Disease mechanism: Fabry disease is due to inactivating mutations in the X-linked GLA gene resulting in deficiency of the enzyme Alpha Galactosidase-A., loss of function.
Cardiovascular phenotype. Identifiers: MedGen CN230736.

Allele frequency attached by ClinVar (database versions not stated): gnomAD exomes below 0.00001.
gnomAD v4.1: 2 of 1,207,692 alleles (0.00017%); highest among the groups gnomAD compares: Non-Finnish European, 0.00011%; no homozygotes.

Submissions (3):

Genomenon, Inc
Classification: Uncertain significance for Fabry disease. Last evaluated: 2026-09-08. Review status: criteria provided, single submitter. Criteria: Genomenon Sequence Variant Interpretation Standards - Updated. Collection method: curation. Allele origin: germline. Affected: yes.
Comment: GLA p.Val413Ala (c.1238T>C) is a missense variant that changes the amino acid at codon 413 from Valine to Alanine. This variant has been observed in at least one proband with clinical features consistent with Fabry disease (PMID:32234567). Functional or patient cell studies have been reported (PMID:32234567). It is absent or not present at a significant frequency in gnomAD. In conclusion, we classify GLA p.Val413Ala (c.1238T>C) as a variant of uncertain significance.

Myriad Genetics, Inc.
Classification: Uncertain significance for Fabry disease. Last evaluated: 2026-01-23. Review status: criteria provided, single submitter. Criteria: Myriad Autosomal Dominant, Autosomal Recessive and X-Linked Classification Criteria (2023). Collection method: clinical testing. Allele origin: unknown.
Comment: NM_000169.2(GLA):c.1238T>C(V413A) is a missense variant classified as a variant of uncertain significance in the context of Fabry disease. V413A has been observed in a case with relevant disease (PMID: 30477121). Relevant functional assessments of this variant are not available in the literature. V413A has not been observed in referenced population frequency databases. In summary, there is insufficient evidence to classify NM_000169.2(GLA):c.1238T>C(V413A) as pathogenic or benign. Please note: this variant was assessed in the context of healthy population screening.

Ambry Genetics
Classification: Uncertain significance for Cardiovascular phenotype. Last evaluated: 2022-07-18. Review status: criteria provided, single submitter. Criteria: Ambry Variant Classification Scheme 2023. Collection method: clinical testing. Allele origin: germline.
Comment: The p.V413A variant (also known as c.1238T>C), located in coding exon 7 of the GLA gene, results from a T to C substitution at nucleotide position 1238. The valine at codon 413 is replaced by alanine, an amino acid with similar properties. This alteration has been reported in a Fabry disease cohort and was noted to be associated with late-onset disease (Duro G et al. Int J Mol Sci, 2018 Nov;19:[ePub ahead of print]), as well as a multiple sclerosis cohort (Russo C et al. J Neurol Sci, 2020 May;412:116782). This amino acid position is well conserved in available vertebrate species. In addition, the in silico prediction for this alteration is inconclusive. Since supporting evidence is limited at this time, the clinical significance of this alteration remains unclear.

Literature cited by the submitters: PubMed 32234567 (cited by Genomenon, Inc and Ambry Genetics); PubMed 30477121 (cited by Myriad Genetics, Inc. and Ambry Genetics).